The following is an entry in ClinVar:

NM_014225.6(PPP2R1A):c.78+82T>G

Gene: PPP2R1A (protein phosphatase 2 scaffold subunit Aalpha; plus strand). Cytogenetic location: 19q13.41.
Variant type: single nucleotide variant.
Coding change: c.78+82T>G on transcript NM_014225.6 (MANE Select); 82 bases into the intron after coding-DNA position 78, T replaced by G.
Molecular consequence: intron variant.
Genome position (GRCh38, 1-based): chr19:52,190,256, T>G. VCF-style: chr19-52190256-T-G. GRCh37 (hg19) VCF-style: chr19-52693509-T-G.
Identifiers: ClinVar variation 133378 (VCV000133378.1), dbSNP rs114390941, ClinGen allele CA156469.

ClinVar aggregate classification (germline): not provided (0 of 4 stars; one submission).

Allele frequency attached by ClinVar (database versions not stated): gnomAD exomes 0.00166 and 0.00393; ExAC 0.01001; gnomAD 0.01851 and 0.01979; TOPMed 0.02052; 1000 Genomes Project 0.02276; 1000 Genomes Project 30x 0.02358.
gnomAD v4.1: 5,157 of 1,469,822 alleles (0.35%); highest among the groups gnomAD compares: African/African-American, 6.3%; 148 homozygotes.

Submission:

ITMI
No classification provided. Condition: AllHighlyPenetrant. Last evaluated: 2013-09-19. Review status: no classification provided. Collection method: reference population. Allele origin: germline.
Comment: Please see associated publication for description of ethnicities

Literature cited by the submitters: PubMed 24728327.